The following is an entry in ClinVar:

NM_013266.4(CTNNA3):c.2500C>G (p.Arg834Gly)

Gene: CTNNA3 (catenin alpha 3; minus strand). Cytogenetic location: 10q21.3.
Variant type: single nucleotide variant.
Coding change: c.2500C>G on transcript NM_013266.4 (MANE Select); coding-DNA position 2500, C replaced by G.
Protein change: p.Arg834Gly; replaces arginine 834 with glycine.
Molecular consequence: missense variant.
Genome position (GRCh38, 1-based): chr10:65,920,518, G>C on the plus strand (C>G on the coding strand, the complement: CTNNA3 is on the minus strand). VCF-style: chr10-65920518-G-C. GRCh37 (hg19) VCF-style: chr10-67680276-G-C.
Other names: c.2500C>G, p.Arg834Gly (NM_001127384.3); short protein forms R834G.
Identifiers: ClinVar variation 1792250 (VCV001792250.2), dbSNP rs202196166, ClinGen allele CA5519567.
Genomic context (GRCh38, chr10:65,920,518, plus strand): 5'-CAGGAGCCTTCATTCTCCACATCACAACTGGGTGCCGGGGCCCAGCAGGACTCTGGATTC[G>C]GATGATCTTGGTTGAGGCAATGTAAGACATTTTCACTGTTTGCACTACAGCATTCATTAA-3'
Protein context (NP_037398.2, residues 824-844): MSYIASTKII[Arg834Gly]IQSPAGPRHP

ClinVar aggregate classification (germline): Uncertain significance (1 of 4 stars; one submission).

Allele frequency attached by ClinVar (database versions not stated): 1000 Genomes Project 30x 0.00016; 1000 Genomes Project 0.00020.
gnomAD v4.1: 19 of 1,614,074 alleles (0.0012%); highest among the groups gnomAD compares: South Asian, 0.019%; no homozygotes.

Submission:

Ambry Genetics
Classification: Uncertain significance. Last evaluated: 2021-11-09. Review status: criteria provided, single submitter. Criteria: Ambry Variant Classification Scheme 2023. Collection method: clinical testing. Allele origin: germline.
Comment: The p.R834G variant (also known as c.2500C>G), located in coding exon 17 of the CTNNA3 gene, results from a C to G substitution at nucleotide position 2500. The arginine at codon 834 is replaced by glycine, an amino acid with dissimilar properties. This amino acid position is conserved. In addition, this alteration is predicted to be tolerated by in silico analysis. Since supporting evidence is limited at this time, the clinical significance of this alteration remains unclear.